The following is an entry in ClinVar:

ClinVar aggregate classification (germline): Uncertain significance. Review status: criteria provided, multiple submitters, no conflicts (2 of 4 stars). 2 submissions from 2 submitters: Uncertain significance (2). Last evaluated 2023-01-12.

Conditions:
Cowden syndrome (CS). Also called: Cowden's disease; Cowden's syndrome; Cowden disease. Identifiers: Orphanet 201, MedGen C0018553, MONDO:0016063. Disease mechanism: gain of function.
Inborn genetic diseases. Identifiers: MedGen C0950123, MeSH D030342.

Allele frequency attached by ClinVar (database versions not stated): gnomAD exomes below 0.00001; ExAC 0.00001.
gnomAD v4.1: 2 of 1,613,572 alleles (0.00012%); highest among the groups gnomAD compares: Non-Finnish European, 0.00017%; no homozygotes.

Submissions (2):

Ambry Genetics
Classification: Uncertain significance for Inborn genetic diseases. Last evaluated: 2023-01-12. Review status: criteria provided, single submitter. Criteria: Ambry Variant Classification Scheme 2023. Collection method: clinical testing. Allele origin: germline.
Comment: The p.Q63H variant (also known as c.189A>C), located in coding exon 1 of the PIK3CA gene, results from an A to C substitution at nucleotide position 189. The glutamine at codon 63 is replaced by histidine, an amino acid with highly similar properties. This amino acid position is conserved. In addition, the in silico prediction for this alteration is inconclusive. Since supporting evidence is limited at this time, the clinical significance of this alteration remains unclear.

Labcorp Genetics (formerly Invitae), Labcorp
Classification: Uncertain significance for Cowden syndrome. Last evaluated: 2021-11-22. Review status: criteria provided, single submitter. Criteria: Invitae Variant Classification Sherloc (09022015). Collection method: clinical testing. Allele origin: germline.
Comment: In summary, the available evidence is currently insufficient to determine the role of this variant in disease. Therefore, it has been classified as a Variant of Uncertain Significance. Algorithms developed to predict the effect of missense changes on protein structure and function are either unavailable or do not agree on the potential impact of this missense change (SIFT: "Deleterious"; PolyPhen-2: "Possibly Damaging"; Align-GVGD: "Class C0"). This variant has not been reported in the literature in individuals affected with PIK3CA-related conditions. This variant is present in population databases (rs772678298, gnomAD 0.0009%). This sequence change replaces glutamine, which is neutral and polar, with histidine, which is basic and polar, at codon 63 of the PIK3CA protein (p.Gln63His).

NM_006218.4(PIK3CA):c.189A>C (p.Gln63His)

Gene: PIK3CA (phosphatidylinositol-4,5-bisphosphate 3-kinase catalytic subunit alpha; plus strand). Cytogenetic location: 3q26.32.
Variant type: single nucleotide variant.
Coding change: c.189A>C on transcript NM_006218.4 (MANE Select); coding-DNA position 189, A replaced by C.
Protein change: p.Gln63His; replaces glutamine 63 with histidine.
Molecular consequence: missense variant.
Genome position (GRCh38, 1-based): chr3:179,199,014, A>C. VCF-style: chr3-179199014-A-C. GRCh37 (hg19) VCF-style: chr3-178916802-A-C.
Other names: c.189A>C (NM_006218.2); short protein forms Q63H.
Identifiers: ClinVar variation 1404089 (VCV001404089.8), dbSNP rs772678298, ClinGen allele CA2710505.
Genomic context (GRCh38, chr3:179,199,014, plus strand): 5'-AACCATAAAGCATGAACTATTTAAAGAAGCAAGAAAATACCCCCTCCATCAACTTCTTCA[A>C]GATGAATCTTCTTACATTTTCGTAAGTGTTACTCAAGAAGCAGAAAGGGAAGAATTTTTT-3'
Protein context (NP_006209.2, residues 53-73): ARKYPLHQLL[Gln63His]DESSYIFVSV